The following is an entry in ClinVar:

NM_001369.3(DNAH5):c.2772del (p.Thr924_Leu925insTer)

Genes: DNAH5 (dynein axonemal heavy chain 5; minus strand), DNAH5-AS1 (DNAH5 antisense RNA 1; plus strand). Cytogenetic location: 5p15.2.
Variant type: Deletion.
Coding change: c.2772del on transcript NM_001369.3 (MANE Select); coding-DNA position 2772, one base deleted (C; older notation c.2772delC).
Protein change: p.Thr924_Leu925insTer.
Molecular consequence: frameshift variant.
Genome position (GRCh38, 1-based): chr5:13,885,200, G deleted on the plus strand (C on the coding strand, the reverse complement: DNAH5 is on the minus strand); the first of 2 consecutive G bases (chr5:13,885,200-13,885,201); deleting either gives the same sequence. VCF-style (leftmost placement, unchanged base first): chr5-13885199-AG-A. GRCh37 (hg19) VCF-style: chr5-13885308-AG-A.
Other names: c.2772delC (NM_001369.2).
Identifiers: ClinVar variation 454761 (VCV000454761.21), dbSNP rs1554090622, ClinGen allele CA557877004.

ClinVar aggregate classification (germline): Pathogenic/Likely pathogenic. Review status: criteria provided, multiple submitters, no conflicts (2 of 4 stars). 7 submissions from 7 submitters: Pathogenic (5); Likely pathogenic (1). 1 of the submissions does not count toward it. Last evaluated 2025-12-01.

Conditions:
DNAH5-related disorder. Also called: DNAH5-related condition.
Primary ciliary dyskinesia. Also called: Ciliary dyskinesia. Identifiers: Orphanet 244, MedGen C0008780, MONDO:0016575, HP:0012265.
DNAH5-related disorders.

Submissions (7):

CeGaT Center for Human Genetics Tuebingen
Classification: Pathogenic. Last evaluated: 2025-12-01. Review status: criteria provided, single submitter. Criteria: CeGaT Center For Human Genetics Tuebingen Variant Classification Criteria Version 2. Collection method: clinical testing. Allele origin: germline. Affected: yes. Observed: 1 variant allele.
Comment: DNAH5: PVS1, PM2, PM3:Supporting

Labcorp Genetics (formerly Invitae), Labcorp
Classification: Pathogenic for Primary ciliary dyskinesia. Last evaluated: 2025-10-20. Review status: criteria provided, single submitter. Criteria: Invitae Variant Classification Sherloc (09022015). Collection method: clinical testing. Allele origin: germline.
Comment: This sequence change creates a premature translational stop signal (p.Leu925*) in the DNAH5 gene. It is expected to result in an absent or disrupted protein product. Loss-of-function variants in DNAH5 are known to be pathogenic (PMID: 11788826, 16627867). This variant is present in population databases (no rsID available, gnomAD 0.003%). This variant has not been reported in the literature in individuals affected with DNAH5-related conditions. ClinVar contains an entry for this variant (Variation ID: 454761). For these reasons, this variant has been classified as Pathogenic.

PreventionGenetics, part of Exact Sciences
Classification: Pathogenic for DNAH5-related condition. Last evaluated: 2025-01-20. Review status: criteria provided, single submitter. Criteria: ACMG Guidelines, 2015. Collection method: clinical testing. Allele origin: germline.
Comment: The DNAH5 c.2772delC variant is predicted to result in premature protein termination (p.Leu925*). This variant has been reported along with a second DNAH5 pathogenic variant in a patient with primary ciliary dyskinesia (Table E1, Davis et al. 2018. PubMed ID: 30067075). This variant is reported in 0.0029% of alleles in individuals of Latino descent in gnomAD. Nonsense variants in DNAH5 are expected to be pathogenic. This variant is interpreted as pathogenic.

GeneDx
Classification: Pathogenic. Last evaluated: 2025-01-09. Review status: criteria provided, single submitter. Criteria: GeneDx Variant Classification Process June 2021. Collection method: clinical testing. Allele origin: germline.
Comment: Nonsense variant predicted to result in protein truncation or nonsense mediated decay in a gene for which loss of function is a known mechanism of disease; Not observed at significant frequency in large population cohorts (gnomAD); This variant is associated with the following publications: (PMID: 31589614, Corpus2022[Abstract], 30067075)

Blueprint Genetics
Classification: Likely pathogenic for DNAH5-related disorders. Last evaluated: 2024-08-27. Review status: criteria provided, single submitter. Criteria: ACMG Guidelines, 2015. Collection method: clinical testing. Allele origin: germline. Affected: yes. Observed: 2 variant alleles.

Ambry Genetics
Classification: Pathogenic for Primary ciliary dyskinesia. Last evaluated: 2016-09-12. Review status: criteria provided, single submitter. Criteria: Ambry Variant Classification Scheme 2023. Collection method: clinical testing. Allele origin: germline.
Comment: The c.2772delC pathogenic mutation, located in coding exon 19 of the DNAH5 gene, results from a deletion of one nucleotide at nucleotide position 2772, causing a translational frameshift with a predicted alternate stop codon (p.L925*). This alteration is expected to result in loss of function by premature protein truncation or nonsense-mediated mRNA decay. As such, this alteration is interpreted as a disease-causing mutation.

Yale Center for Mendelian Genomics, Yale University
Classification: Likely pathogenic for Primary ciliary dyskinesia. Last evaluated: 2018-08-01. Review status: no assertion criteria provided. Collection method: literature only. Allele origin: germline. Affected: yes. Observed: 1 compound heterozygote. Study: Yale Center for Mendelian Genomics. Not counted in ClinVar's aggregate classification.

Literature cited by the submitters: PubMed 11788826 (cited by Labcorp Genetics (formerly Invitae), Labcorp); PubMed 16627867 (cited by Labcorp Genetics (formerly Invitae), Labcorp); PubMed 30067075 (cited by Yale Center for Mendelian Genomics, Yale University).